The following is an entry in ClinVar:

ClinVar aggregate classification (germline): Uncertain significance. Review status: criteria provided, multiple submitters, no conflicts (2 of 4 stars). 4 submissions from 4 submitters: Uncertain significance (4). Last evaluated 2025-12-11.

Conditions:
Hypertrophic cardiomyopathy. Also called: HYPERTROPHIC MYOCARDIOPATHY. Identifiers: Orphanet 217569, MedGen C0007194, MeSH D002312, MONDO:0005045, HP:0001639.
Hypertrophic cardiomyopathy 1 (CMH1). Also called: Familial hypertrophic cardiomyopathy 1; MYH7-Related Familial Hypertrophic Cardiomyopathy. Identifiers: MedGen C3495498, MONDO:0008647, OMIM 192600.

Allele frequency attached by ClinVar (database versions not stated): ExAC 0.00001; gnomAD exomes 0.00001; gnomAD 0.00003; TOPMed 0.00003.
gnomAD v4.1: 21 of 1,606,624 alleles (0.0013%); highest among the groups gnomAD compares: Non-Finnish European, 0.0015%; no homozygotes.

Submissions (4):

Ambry Genetics
Classification: Uncertain significance. Last evaluated: 2025-12-11. Review status: criteria provided, single submitter. Criteria: Ambry Variant Classification Scheme 2023. Collection method: clinical testing. Allele origin: germline.
Comment: The p.N542S variant (also known as c.1625A>G), located in coding exon 11 of the MYLK2 gene, results from an A to G substitution at nucleotide position 1625. The asparagine at codon 542 is replaced by serine, an amino acid with highly similar properties. This amino acid position is conserved. In addition, this alteration is predicted to be tolerated by in silico analysis. Since supporting evidence is limited at this time, the clinical significance of this alteration remains unclear.

Labcorp Genetics (formerly Invitae), Labcorp
Classification: Uncertain significance for Hypertrophic cardiomyopathy 1. Last evaluated: 2025-01-07. Review status: criteria provided, single submitter. Criteria: Invitae Variant Classification Sherloc (09022015). Collection method: clinical testing. Allele origin: germline.
Comment: This sequence change replaces asparagine, which is neutral and polar, with serine, which is neutral and polar, at codon 542 of the MYLK2 protein (p.Asn542Ser). This variant is present in population databases (rs775059729, gnomAD 0.003%). This variant has not been reported in the literature in individuals affected with MYLK2-related conditions. ClinVar contains an entry for this variant (Variation ID: 691704). Invitae Evidence Modeling of protein sequence and biophysical properties (such as structural, functional, and spatial information, amino acid conservation, physicochemical variation, residue mobility, and thermodynamic stability) indicates that this missense variant is not expected to disrupt MYLK2 protein function with a negative predictive value of 80%. In summary, the available evidence is currently insufficient to determine the role of this variant in disease. Therefore, it has been classified as a Variant of Uncertain Significance.

GeneDx
Classification: Uncertain significance. Last evaluated: 2021-04-16. Review status: criteria provided, single submitter. Criteria: GeneDx Variant Classification Process June 2021. Collection method: clinical testing. Allele origin: germline. Affected: yes.
Comment: Has not been previously published as pathogenic or benign to our knowledge; Reported in ClinVar as a variant of uncertain significance (ClinVar Variant ID# 691704; Landrum et al., 2016); Not observed at a significant frequency in large population cohorts (Lek et al., 2016); In silico analysis supports that this missense variant has a deleterious effect on protein structure/function

Center for Advanced Laboratory Medicine, UC San Diego Health, University of California San Diego
Classification: Uncertain significance for Hypertrophic cardiomyopathy. Last evaluated: 2018-02-07. Review status: criteria provided, single submitter. Criteria: ACMG Guidelines, 2015. Collection method: clinical testing. Allele origin: germline. Affected: yes. Observed: 1 variant allele.

NM_033118.4(MYLK2):c.1625A>G (p.Asn542Ser)

Gene: MYLK2 (myosin light chain kinase 2; plus strand). Cytogenetic location: 20q11.21.
Variant type: single nucleotide variant.
Coding change: c.1625A>G on transcript NM_033118.4 (MANE Select); coding-DNA position 1625, A replaced by G.
Protein change: p.Asn542Ser; replaces asparagine 542 with serine.
Molecular consequence: missense variant.
Genome position (GRCh38, 1-based): chr20:31,832,051, A>G. VCF-style: chr20-31832051-A-G. GRCh37 (hg19) VCF-style: chr20-30419854-A-G.
Other names: short protein forms N542S.
Identifiers: ClinVar variation 691704 (VCV000691704.17), dbSNP rs775059729, ClinGen allele CA9803280.